The following is an entry in ClinVar:

NM_003052.5(SLC34A1):c.1719A>G (p.Leu573=)

Gene: SLC34A1 (solute carrier family 34 member 1; plus strand). Cytogenetic location: 5q35.3.
Variant type: single nucleotide variant.
Coding change: c.1719A>G on transcript NM_003052.5 (MANE Select); coding-DNA position 1719, A replaced by G.
Protein change: p.Leu573=; no amino-acid change (leucine 573 retained).
Molecular consequence: synonymous variant.
Genome position (GRCh38, 1-based): chr5:177,398,085, A>G. VCF-style: chr5-177398085-A-G. GRCh37 (hg19) VCF-style: chr5-176825086-A-G.
Identifiers: ClinVar variation 352976 (VCV000352976.14), dbSNP rs148575220, ClinGen allele CA3580871.

ClinVar aggregate classification (germline): Benign/Likely benign. Review status: criteria provided, multiple submitters, no conflicts (2 of 4 stars). 3 submissions from 3 submitters: Benign (1); Likely benign (2). Last evaluated 2025-09-02.

Conditions:
Hypophosphatemic nephrolithiasis/osteoporosis 1. Identifiers: Orphanet 244305, MedGen C2676786, MONDO:0012850, OMIM 612286.
Fanconi renotubular syndrome 2 (FRTS2). Identifiers: MedGen C3150652, MONDO:0013247, OMIM 613388.
Hypercalcemia, infantile, 2 (HCINF2). Identifiers: Orphanet 300547, MedGen C4310473, MONDO:0014851, OMIM 616963.

Allele frequency attached by ClinVar (database versions not stated): gnomAD 0.00012 and 0.00013; gnomAD exomes 0.00012 and 0.00013; ExAC 0.00013; ESP Exome Variant Server 0.00015; TOPMed 0.00016; 1000 Genomes Project 0.00040; 1000 Genomes Project 30x 0.00047.
gnomAD v4.1: 193 of 1,613,274 alleles (0.012%); highest among the groups gnomAD compares: Admixed American, 0.048%; no homozygotes.

Submissions (3):

Labcorp Genetics (formerly Invitae), Labcorp
Classification: Likely benign. Last evaluated: 2025-09-02. Review status: criteria provided, single submitter. Criteria: Invitae Variant Classification Sherloc (09022015). Collection method: clinical testing. Allele origin: germline.

Fulgent Genetics
Classification: Likely benign for Hypophosphatemic nephrolithiasis/osteoporosis 1; Fanconi renotubular syndrome 2; Hypercalcemia, infantile, 2. Last evaluated: 2021-12-09. Review status: criteria provided, single submitter. Criteria: ACMG Guidelines, 2015. Collection method: clinical testing. Allele origin: unknown.

Illumina Laboratory Services, Illumina
Classification: Benign for Hypophosphatemic nephrolithiasis/osteoporosis 1. Last evaluated: 2018-01-13. Review status: criteria provided, single submitter. Criteria: ICSL Variant Classification Criteria 13 December 2019. Collection method: clinical testing. Allele origin: germline.
Comment: This variant was observed in the ICSL laboratory as part of a predisposition screen in an ostensibly healthy population. It had not been previously curated by ICSL or reported in the Human Gene Mutation Database (HGMD: prior to June 1st, 2018), and was therefore a candidate for classification through an automated scoring system. Utilizing variant allele frequency, disease prevalence and penetrance estimates, and inheritance mode, an automated score was calculated to assess if this variant is too frequent to cause the disease. Based on the score and internal cut-off values, a variant classified as benign is not then subjected to further curation. The score for this variant resulted in a classification of benign for this disease.